The following is an entry in ClinVar:

NM_015971.4(MRPS7):c.83+245T>G

Genes: GGA3 (golgi associated, gamma adaptin ear containing, ARF binding protein 3; minus strand), MRPS7 (mitochondrial ribosomal protein S7; plus strand). Cytogenetic location: 17q25.1.
Variant type: single nucleotide variant.
Coding change: c.83+245T>G on transcript NM_015971.4 (MANE Select); 245 bases into the intron after coding-DNA position 83, T replaced by G.
Molecular consequence: intron variant.
Genome position (GRCh38, 1-based): chr17:75,262,228, T>G. VCF-style: chr17-75262228-T-G. GRCh37 (hg19) VCF-style: chr17-73258309-T-G.
Other names: c.-228+54A>C (NM_001172704.3); c.-177+54A>C (NM_001172703.3).
Identifiers: ClinVar variation 671366 (VCV000671366.4), dbSNP rs9908904, ClinGen allele CA16545946.

ClinVar aggregate classification (germline): Benign. Review status: criteria provided, multiple submitters, no conflicts (2 of 4 stars). 2 submissions from 2 submitters: Benign (2). Last evaluated 2018-06-16.

Allele frequency attached by ClinVar (database versions not stated): gnomAD 0.11914 and 0.11531; TOPMed 0.13046; 1000 Genomes Project 0.16913; 1000 Genomes Project 30x 0.18036; gnomAD exomes 0.02788.

Submissions (2):

GeneDx
Classification: Benign. Last evaluated: 2018-06-16. Review status: criteria provided, single submitter. Criteria: GeneDx Variant Classification (06012015). Collection method: clinical testing. Allele origin: germline. Affected: yes.
Comment: This variant is considered likely benign or benign based on one or more of the following criteria: it is a conservative change, it occurs at a poorly conserved position in the protein, it is predicted to be benign by multiple in silico algorithms, and/or has population frequency not consistent with disease.

Breakthrough Genomics
Classification: Benign. Review status: criteria provided, single submitter. Criteria: ACMG Guidelines, 2015. Collection method: not provided. Allele origin: germline. Inheritance: Autosomal recessive inheritance. Affected: yes.